The following is an entry in ClinVar:

ClinVar aggregate classification (germline): Uncertain significance (1 of 4 stars; one submission).

Allele frequency attached by ClinVar (database versions not stated): gnomAD exomes below 0.00001 and 0.00001; TOPMed below 0.00001; ExAC 0.00001.
gnomAD v4.1: 5 of 1,549,442 alleles (0.00032%); highest among the groups gnomAD compares: South Asian, 0.0011%; no homozygotes.

Submission:

Labcorp Genetics (formerly Invitae), Labcorp
Classification: Uncertain significance. Last evaluated: 2021-09-24. Review status: criteria provided, single submitter. Criteria: Invitae Variant Classification Sherloc (09022015). Collection method: clinical testing. Allele origin: germline.
Comment: This sequence change replaces glutamic acid with glutamine at codon 700 of the NBAS protein (p.Glu700Gln). The glutamic acid residue is highly conserved and there is a small physicochemical difference between glutamic acid and glutamine. This variant is present in population databases (rs761807786, ExAC 0.007%). This variant has not been reported in the literature in individuals with NBAS-related disease. Algorithms developed to predict the effect of missense changes on protein structure and function output the following: SIFT: "Deleterious"; PolyPhen-2: "Benign"; Align-GVGD: "Class C25". The glutamine amino acid residue is found in multiple mammalian species, suggesting that this missense change does not adversely affect protein function. These predictions have not been confirmed by published functional studies and their clinical significance is uncertain. Algorithms developed to predict the effect of sequence changes on RNA splicing suggest that this variant may disrupt the consensus splice site, but this prediction has not been confirmed by published transcriptional studies. In summary, the available evidence is currently insufficient to determine the role of this variant in disease. Therefore, it has been classified as a Variant of Uncertain Significance.

NM_015909.4(NBAS):c.2098G>C (p.Glu700Gln)

Gene: NBAS (NBAS subunit of NRZ tethering complex; minus strand). Cytogenetic location: 2p24.3.
Variant type: single nucleotide variant.
Coding change: c.2098G>C on transcript NM_015909.4 (MANE Select); coding-DNA position 2098, G replaced by C.
Protein change: p.Glu700Gln; replaces glutamic acid 700 with glutamine.
Molecular consequence: missense variant. On other transcripts: non-coding transcript variant (1).
Genome position (GRCh38, 1-based): chr2:15,461,791, C>G on the plus strand (G>C on the coding strand, the complement: NBAS is on the minus strand). VCF-style: chr2-15461791-C-G. GRCh37 (hg19) VCF-style: chr2-15601915-C-G.
Other names: short protein forms E700Q.
Identifiers: ClinVar variation 1418120 (VCV001418120.5), dbSNP rs761807786, ClinGen allele CA1536455.
Genomic context (GRCh38, chr2:15,461,791, plus strand): 5'-ATTTCTTAAAGAATTCAGCATCATATCTCTGTTCAGATGCATGAGGCACTCCTAGGATTT[C>G]CTGAGGGGAAATTTAATGAAAAGTGATTTAATGAAAAGGCTTTTAAATATGGGTGACAAG-3'
Protein context (NP_056993.2, residues 690-710): TYLDRLATYE[Glu700Gln]ILGVPHASEQ